The following is an entry in ClinVar:

ClinVar aggregate classification (germline): Uncertain significance (1 of 4 stars; one submission).

Conditions:
Hereditary spastic paraplegia 31. Also called: SPASTIC PARAPLEGIA 31, AUTOSOMAL DOMINANT. Identifiers: Orphanet 101011, MedGen C1853247, MONDO:0012453, OMIM 610250.

Submission:

Labcorp Genetics (formerly Invitae), Labcorp
Classification: Uncertain significance for Hereditary spastic paraplegia 31. Last evaluated: 2021-04-29. Review status: criteria provided, single submitter. Criteria: Invitae Variant Classification Sherloc (09022015). Collection method: clinical testing. Allele origin: germline.
Comment: This variant is a gross deletion of the genomic region encompassing exon 7 of the REEP1 gene. The 5' boundary is likely confined to intron 6. The 3' end of this event is unknown as it extends through the termination codon beyond the assayed region for this gene and may encompass additional genes. While this deletion is not anticipated to result in nonsense mediated decay, it is expected to create a truncated protein product or disrupt mRNA translation. This variant has not been reported in the literature in individuals with REEP1-related disease. In summary, the available evidence is currently insufficient to determine the role of this variant in disease. Therefore, it has been classified as a Variant of Uncertain Significance.

NC_000002.11:g.(?_86444223)_(86444253_?)del

Gene: REEP1 (receptor accessory protein 1; minus strand). Cytogenetic location: 2p11.2.
Variant type: Deletion.
Identifiers: ClinVar variation 2426781 (VCV002426781.3).